The following is an entry in ClinVar:

ClinVar aggregate classification (germline): Uncertain significance (1 of 4 stars; one submission).

Conditions:
Early Myoclonic Encephalopathy. Identifiers: MedGen C0270855.

Allele frequency attached by ClinVar (database versions not stated): gnomAD exomes below 0.00001; TOPMed below 0.00001; ExAC 0.00001.
gnomAD v4.1: 2 of 1,584,792 alleles (0.00013%); highest among the groups gnomAD compares: East Asian, 0.0023%; no homozygotes.

Submission:

Labcorp Genetics (formerly Invitae), Labcorp
Classification: Uncertain significance for Early Myoclonic Encephalopathy. Last evaluated: 2023-05-01. Review status: criteria provided, single submitter. Criteria: Invitae Variant Classification Sherloc (09022015). Collection method: clinical testing. Allele origin: germline.
Comment: This sequence change replaces asparagine, which is neutral and polar, with histidine, which is basic and polar, at codon 120 of the JMJD1C protein (p.Asn120His). This variant is present in population databases (rs770157949, gnomAD 0.007%). This variant has not been reported in the literature in individuals affected with JMJD1C-related conditions. ClinVar contains an entry for this variant (Variation ID: 863884). Algorithms developed to predict the effect of missense changes on protein structure and function output the following: SIFT: "Not Available"; PolyPhen-2: "Benign"; Align-GVGD: "Not Available". The histidine amino acid residue is found in multiple mammalian species, which suggests that this missense change does not adversely affect protein function. In summary, the available evidence is currently insufficient to determine the role of this variant in disease. Therefore, it has been classified as a Variant of Uncertain Significance.

NM_032776.3(JMJD1C):c.358A>C (p.Asn120His)

Gene: JMJD1C (jumonji domain containing 1C; minus strand). Cytogenetic location: 10q21.3.
Variant type: single nucleotide variant.
Coding change: c.358A>C on transcript NM_032776.3 (MANE Select); coding-DNA position 358, A replaced by C.
Protein change: p.Asn120His; replaces asparagine 120 with histidine.
Molecular consequence: missense variant. On other transcripts: 5 prime UTR variant (5), intron variant (1).
Genome position (GRCh38, 1-based): chr10:63,264,740, T>G on the plus strand (A>C on the coding strand, the complement: JMJD1C is on the minus strand). VCF-style: chr10-63264740-T-G. GRCh37 (hg19) VCF-style: chr10-65024500-T-G.
Other names: c.-189A>C (NM_001282948.2, NM_001318154.2); c.-511A>C (NM_001318153.2); c.-194A>C (NM_001322254.2, NM_001322258.2); c.334-44757A>C (NM_001322252.2); short protein forms N120H.
Identifiers: ClinVar variation 863884 (VCV000863884.9), dbSNP rs770157949, ClinGen allele CA5519053.